The following is an entry in ClinVar:

NM_000441.2(SLC26A4):c.1707+2T>C

Gene: SLC26A4 (solute carrier family 26 member 4; plus strand). Cytogenetic location: 7q22.3.
Variant type: single nucleotide variant.
Coding change: c.1707+2T>C on transcript NM_000441.2 (MANE Select); the canonical splice donor site of the intron after coding-DNA position 1707, T replaced by C.
Molecular consequence: splice donor variant.
Genome position (GRCh38, 1-based): chr7:107,700,177, T>C. VCF-style: chr7-107700177-T-C. GRCh37 (hg19) VCF-style: chr7-107340622-T-C.
Identifiers: ClinVar variation 552759 (VCV000552759.6), dbSNP rs1554360707, ClinGen allele CA368842400.
Genomic context (GRCh38, chr7:107,700,177, plus strand): 5'-TTTCCAGTCCTATTTTCTATGGCAATGTCGATGGTTTTAAAAAATGTATCAAGTCCACAG[T>C]AAGTATTTTATCCCTAGAAATTTGTTTTCTAACCTCTTTTGAGACTTCATTCATTCTACA-3'

ClinVar aggregate classification (germline): Likely pathogenic. Review status: criteria provided, multiple submitters, no conflicts (2 of 4 stars). 4 submissions from 4 submitters: Likely pathogenic (3). 1 of the submissions does not count toward it. Last evaluated 2024-07-29.

Conditions:
Autosomal recessive nonsyndromic hearing loss 4 (DFNB4). Also called: Enlarged vestibular aqueduct, digenic; FOXI1-Related Pendred Syndrome; KCNJ10-Related Pendred Syndrome; DEAFNESS, AUTOSOMAL RECESSIVE 4, WITH ENLARGED VESTIBULAR AQUEDUCT, DIGENIC; Deafness, autosomal recessive 4; Nonsyndromic enlarged vestibular aqueduct (NSEVA). Identifiers: Orphanet 90636, MedGen C3538946, MONDO:0010933, OMIM 600791.
Pendred syndrome (PDS). Also called: DEAFNESS WITH GOITER; GOITER-DEAFNESS SYNDROME; Pendred Syndrome (PDS); HYPOTHYROIDISM, CONGENITAL, DUE TO DYSHORMONOGENESIS, 2B; THYROID DYSHORMONOGENESIS 2B; THYROID HORMONOGENESIS, GENETIC DEFECT IN, 2B. Identifiers: Orphanet 705, MedGen C0271829, MONDO:0010134, OMIM 274600.

gnomAD v4.1: 2 of 1,447,450 alleles (0.00014%); highest among the groups gnomAD compares: Non-Finnish European, 0.000097%; no homozygotes.

Submissions (4):

GeneDx
Classification: Likely pathogenic. Last evaluated: 2024-07-29. Review status: criteria provided, single submitter. Criteria: GeneDx Variant Classification Process June 2021. Collection method: clinical testing. Allele origin: germline. Affected: yes.
Comment: Canonical splice site variant expected to result in aberrant splicing, although in the absence of functional evidence the actual effect of this sequence change is unknown.; Not observed in large population cohorts (gnomAD); Has not been previously published as pathogenic or benign to our knowledge

Fulgent Genetics
Classification: Likely pathogenic for Pendred syndrome; Autosomal recessive nonsyndromic hearing loss 4. Last evaluated: 2024-06-13. Review status: criteria provided, single submitter. Criteria: ACMG Guidelines, 2015. Collection method: clinical testing. Allele origin: germline.

Baylor Genetics
Classification: Likely pathogenic for Autosomal recessive nonsyndromic hearing loss 4. Last evaluated: 2023-07-19. Review status: criteria provided, single submitter. Criteria: ACMG Guidelines, 2015. Collection method: clinical testing. Allele origin: unknown.

Counsyl
Classification: Likely pathogenic for Pendred syndrome. Last evaluated: 2017-07-05. Review status: no assertion criteria provided. Collection method: clinical testing. Allele origin: unknown. Not counted in ClinVar's aggregate classification.